The following is an entry in ClinVar:

NM_001009944.3(PKD1):c.6083A>G (p.Tyr2028Cys)

Gene: PKD1 (polycystin 1, transient receptor potential channel interacting; minus strand). Cytogenetic location: 16p13.3.
Variant type: single nucleotide variant.
Coding change: c.6083A>G on transcript NM_001009944.3 (MANE Select); coding-DNA position 6083, A replaced by G.
Protein change: p.Tyr2028Cys; replaces tyrosine 2028 with cysteine.
Molecular consequence: missense variant.
Genome position (GRCh38, 1-based): chr16:2,109,084, T>C on the plus strand (A>G on the coding strand, the complement: PKD1 is on the minus strand). VCF-style: chr16-2109084-T-C. GRCh37 (hg19) VCF-style: chr16-2159085-T-C.
Other names: c.6083A>G, p.Tyr2028Cys (NM_000296.4); short protein forms Y2028C.
Identifiers: ClinVar variation 3255037 (VCV003255037.4), dbSNP rs2092435288.

ClinVar aggregate classification (germline): Conflicting classifications of pathogenicity. Review status: criteria provided, conflicting classifications (1 of 4 stars). 2 submissions from 2 submitters: Likely pathogenic (1); Uncertain significance (1). Last evaluated 2026-03-23.

Conditions:
Polycystic kidney disease, adult type (PKD1). Also called: POLYCYSTIC KIDNEY DISEASE, ADULT, TYPE I; Polycystic Kidney Disease 1, Autosomal Dominant; Polycystic kidney disease 1; Polycystic kidney disease 1, severe; POLYCYSTIC KIDNEY DISEASE 1 WITH OR WITHOUT POLYCYSTIC LIVER DISEASE; Polycystic Kidney, Autosomal Dominant. Identifiers: MedGen C3149841, MONDO:0008263, OMIM 173900.
PKD1-related disorder. Also called: PKD1-related condition.

Submissions (2):

Victorian Clinical Genetics Services, Murdoch Childrens Research Institute
Classification: Uncertain significance for Polycystic kidney disease, adult type. Last evaluated: 2026-03-23. Review status: criteria provided, single submitter. Criteria: ACMG Guidelines, 2015. Collection method: clinical testing. Allele origin: germline. Affected: yes.
Comment: This variant is classified as VUS-3A. Evidence in support of pathogenic classification: Variant is absent from gnomAD (v2, v3 and v4); Missense variant predicted to be damaging by in silico tool(s) or highly conserved with a major amino acid change. Additional information: Variant is predicted to result in a missense amino acid change from Tyr to Cys; This variant is heterozygous; This gene is associated with autosomal dominant disease. Polycystic kidney disease 1 (MIM#173900) is predominantly caused by monoallelic variants, with rare reports of biallelic variants causing disease (OMIM); Alternative amino acid change(s) at the same position are present in gnomAD (highest allele count: v4: 1 heterozygote(s), 0 homozygote(s)); Previous evidence of pathogenicity for this variant is inconclusive. - No published evidence of segregation with disease has been identified for this variant; No published functional evidence has been identified for this variant; Other missense variant(s) comparable to the one identified in this case have conflicting previous evidence for pathogenicity. p.(Tyr2028Ser) has been classified as a VUS by a clinical laboratory in ClinVar, while p.(Tyr2028Asp) has been classified as likely pathogenic in a cohort of ADPKD patients (PMID: 26150605); Variant is located in the annotated PKD domain (DECIPHER); Loss of function is a known mechanism of disease in this gene and is associated with polycystic kidney disease 1 (MIM#173900); Inheritance information for this variant is not currently available in this individual.

Blueprint Genetics
Classification: Likely pathogenic for PKD1-related disorders. Last evaluated: 2023-01-26. Review status: criteria provided, single submitter. Criteria: ACMG Guidelines, 2015. Collection method: clinical testing. Allele origin: germline. Affected: yes. Observed: 1 variant allele.

Literature cited by the submitters: PubMed 26150605 (cited by Victorian Clinical Genetics Services, Murdoch Childrens Research Institute).